The following is an entry in ClinVar:

ClinVar aggregate classification (germline): Benign/Likely benign. Review status: criteria provided, multiple submitters, no conflicts (2 of 4 stars). 5 submissions from 5 submitters: Benign (2); Likely benign (3). Last evaluated 2026-08-06.

Conditions:
Inborn genetic diseases. Identifiers: MedGen C0950123, MeSH D030342.
ARID1B-Related Disorder. Identifiers: MedGen CN381337.

Allele frequency attached by ClinVar (database versions not stated): gnomAD exomes 0.00009; ExAC 0.00018; ESP Exome Variant Server 0.00020; gnomAD 0.00026 and 0.00028; TOPMed 0.00033.
gnomAD v4.1: 105 of 1,532,236 alleles (0.0069%); highest among the groups gnomAD compares: African/African-American, 0.078%; no homozygotes.

Submissions (5):

PreventionGenetics, part of Exact Sciences
Classification: Likely benign for ARID1B-related condition. Last evaluated: 2026-08-06. Review status: criteria provided, single submitter. Criteria: ACMG Guidelines, 2015. Collection method: clinical testing. Allele origin: germline.
Comment: This variant is classified as likely benign based on ACMG/AMP sequence variant interpretation guidelines (Richards et al. 2015 PMID: 25741868, with internal and published modifications).

Labcorp Genetics (formerly Invitae), Labcorp
Classification: Benign. Last evaluated: 2025-09-10. Review status: criteria provided, single submitter. Criteria: Invitae Variant Classification Sherloc (09022015). Collection method: clinical testing. Allele origin: germline.

Ambry Genetics
Classification: Benign for Inborn genetic diseases. Last evaluated: 2024-02-26. Review status: criteria provided, single submitter. Criteria: Ambry Variant Classification Scheme 2023. Collection method: clinical testing. Allele origin: germline.

Blueprint Genetics
Classification: Likely benign. Last evaluated: 2023-03-07. Review status: criteria provided, single submitter. Criteria: ACMG Guidelines, 2015. Collection method: clinical testing. Allele origin: germline.

GeneDx
Classification: Likely benign. Last evaluated: 2021-03-08. Review status: criteria provided, single submitter. Criteria: GeneDx Variant Classification Process June 2021. Collection method: clinical testing. Allele origin: germline. Affected: yes.

NM_001374828.1(ARID1B):c.501C>G (p.His167Gln)

Genes: ARID1B (AT-rich interaction domain 1B; plus strand), LOC115308161 (uncharacterized LOC115308161; minus strand). Cytogenetic location: 6q25.3.
Variant type: single nucleotide variant.
Coding change: c.501C>G on transcript NM_001374828.1 (MANE Select); coding-DNA position 501, C replaced by G.
Protein change: p.His167Gln; replaces histidine 167 with glutamine.
Molecular consequence: missense variant.
Genome position (GRCh38, 1-based): chr6:156,778,181, C>G. VCF-style: chr6-156778181-C-G. GRCh37 (hg19) VCF-style: chr6-157099315-C-G.
Other names: c.252C>G (NM_020732.3); c.501C>G, p.His167Gln (NM_001371656.1, NM_001374820.1, NM_017519.3); short protein forms H167Q.
Identifiers: ClinVar variation 1254707 (VCV001254707.11), dbSNP rs372726215, ClinGen allele CA4066633.